The following is an entry in ClinVar:

ClinVar aggregate classification (germline): Uncertain significance (1 of 4 stars; one submission).

Conditions:
Epilepsy, X-linked 1, with variable learning disabilities and behavior disorders. Also called: X-linked epilepsy-learning disabilities-behavior disorders syndrome. Identifiers: Orphanet 85294, MedGen C5774177, MONDO:0010339, OMIM 300491.

Submission:

Labcorp Genetics (formerly Invitae), Labcorp
Classification: Uncertain significance for Epilepsy, X-linked 1, with variable learning disabilities and behavior disorders. Last evaluated: 2024-11-24. Review status: criteria provided, single submitter. Criteria: Invitae Variant Classification Sherloc (09022015). Collection method: clinical testing. Allele origin: germline.
Comment: This sequence change replaces proline, which is neutral and non-polar, with arginine, which is basic and polar, at codon 419 of the SYN1 protein (p.Pro419Arg). This variant is not present in population databases (gnomAD no frequency). This variant has not been reported in the literature in individuals affected with SYN1-related conditions. An algorithm developed to predict the effect of missense changes on protein structure and function (PolyPhen-2) suggests that this variant is likely to be disruptive. In summary, the available evidence is currently insufficient to determine the role of this variant in disease. Therefore, it has been classified as a Variant of Uncertain Significance.

NM_006950.3(SYN1):c.1256C>G (p.Pro419Arg)

Gene: SYN1 (synapsin I; minus strand). Cytogenetic location: Xp11.3.
Variant type: single nucleotide variant.
Coding change: c.1256C>G on transcript NM_006950.3 (MANE Select); coding-DNA position 1256, C replaced by G.
Protein change: p.Pro419Arg; replaces proline 419 with arginine.
Molecular consequence: missense variant.
Genome position (GRCh38, 1-based): chrX:47,575,177, G>C on the plus strand (C>G on the coding strand, the complement: SYN1 is on the minus strand). VCF-style: chrX-47575177-G-C. GRCh37 (hg19) VCF-style: chrX-47434576-G-C.
Other names: c.1256C>G, p.Pro419Arg (NM_133499.2); short protein forms P419R.
Identifiers: ClinVar variation 3725923 (VCV003725923.2).
Genomic context (GRCh38, chrX:47,575,177, plus strand): 5'-AGGGGCCTGACCTGGCCATGGGAGCCCCTGCCAGGGGAGGCATCCCGCTGTCGCTGCCGG[G>C]GCAGGGCCTGAGCCATCTTGTTGACCACGAGCTCTACGATGAGCTGTTTGTCTTCATCCT-3'
Protein context (NP_008881.2, residues 409-429): LVVNKMAQAL[Pro419Arg]RQRQRDASPG